The following is an entry in ClinVar:

ClinVar aggregate classification (germline): Benign/Likely benign. Review status: criteria provided, multiple submitters, no conflicts (2 of 4 stars). 5 submissions from 5 submitters: Benign (1); Likely benign (4). Last evaluated 2026-04-01.

Conditions:
IMPG1-related disorder. Also called: IMPG1-related condition.
Retinal dystrophy. Also called: Inherited retinal dystrophy. Identifiers: Orphanet 71862, MedGen C0854723, MeSH D058499, MONDO:0019118, HP:0000556.

Allele frequency attached by ClinVar (database versions not stated): 1000 Genomes Project 0.00020; 1000 Genomes Project 30x 0.00031.
gnomAD v4.1: 262 of 1,613,742 alleles (0.016%); highest among the groups gnomAD compares: Admixed American, 0.038%; no homozygotes.

Submissions (5):

CeGaT Center for Human Genetics Tuebingen
Classification: Likely benign. Last evaluated: 2026-04-01. Review status: criteria provided, single submitter. Criteria: CeGaT Center For Human Genetics Tuebingen Variant Classification Criteria Version 2. Collection method: clinical testing. Allele origin: germline. Affected: yes. Observed: 1 variant allele.
Comment: IMPG1: BP4, BP7

PreventionGenetics, part of Exact Sciences
Classification: Likely benign for IMPG1-related condition. Last evaluated: 2026-03-15. Review status: criteria provided, single submitter. Criteria: ACMG Guidelines, 2015. Collection method: clinical testing. Allele origin: germline.
Comment: This variant is classified as likely benign based on ACMG/AMP sequence variant interpretation guidelines (Richards et al. 2015 PMID: 25741868, with internal and published modifications).

Labcorp Genetics (formerly Invitae), Labcorp
Classification: Likely benign. Last evaluated: 2025-03-03. Review status: criteria provided, single submitter. Criteria: Invitae Variant Classification Sherloc (09022015). Collection method: clinical testing. Allele origin: germline.

Blueprint Genetics
Classification: Likely benign. Last evaluated: 2024-08-26. Review status: criteria provided, single submitter. Criteria: ACMG Guidelines, 2015. Collection method: clinical testing. Allele origin: germline.

Dept Of Ophthalmology, Nagoya University
Classification: Benign for Retinal dystrophy. Last evaluated: 2023-10-01. Review status: criteria provided, single submitter. Criteria: Submitter's publication. Collection method: research. Allele origin: germline. Affected: yes.

NM_001563.4(IMPG1):c.1938G>A (p.Pro646=)

Gene: IMPG1 (interphotoreceptor matrix proteoglycan 1; minus strand). Cytogenetic location: 6q14.1.
Variant type: single nucleotide variant.
Coding change: c.1938G>A on transcript NM_001563.4 (MANE Select); coding-DNA position 1938, G replaced by A.
Protein change: p.Pro646=; no amino-acid change (proline 646 retained).
Molecular consequence: synonymous variant.
Genome position (GRCh38, 1-based): chr6:75,947,420, C>T on the plus strand (G>A on the coding strand, the complement: IMPG1 is on the minus strand). VCF-style: chr6-75947420-C-T. GRCh37 (hg19) VCF-style: chr6-76657137-C-T.
Other names: c.1704G>A, p.Pro568= (NM_001282368.2); c.1938G>A (NM_001563.3).
Identifiers: ClinVar variation 1124561 (VCV001124561.14), dbSNP rs201013836, ClinGen allele CA3898001.